The following is an entry in ClinVar:

ClinVar aggregate classification (germline): Uncertain significance (0 of 4 stars; one submission).

Allele frequency attached by ClinVar (database versions not stated): gnomAD exomes 0.00001; TOPMed 0.00001.
gnomAD v4.1: 5 of 1,552,028 alleles (0.00032%); highest among the groups gnomAD compares: African/African-American, 0.0027%; no homozygotes.

Submission:

Department of Pathology and Laboratory Medicine, Sinai Health System
Classification: Uncertain significance. Review status: no assertion criteria provided. Collection method: clinical testing. Allele origin: unknown. Affected: yes. Study: The Canadian Open Genetics Repository (COGR).
Comment: The GREB1L p.His801Tyr variant was not identified in the literature nor was it identified in ClinVar or LOVD 3.0. The variant was identified in dbSNP (ID: rs1176999137) but was not identified in the following control databases: the 1000 Genomes Project, the NHLBI GO Exome Sequencing Project, or the Genome Aggregation Database (March 6, 2019, v2.1.1). The p.His801 residue is conserved in mammals but not in more distantly related organisms however four out of five computational analyses (PolyPhen-2, SIFT, AlignGVGD, BLOSUM, MutationTaster) do not suggest a high likelihood of impact to the protein; this information is not predictive enough to rule out pathogenicity. The variant occurs outside of the splicing consensus sequence and in silico or computational prediction software programs (SpliceSiteFinder, MaxEntScan, NNSPLICE, GeneSplicer) do not predict a difference in splicing. In summary, based on the above information the clinical significance of this variant cannot be determined with certainty at this time. This variant is classified as a variant of uncertain significance.

NM_001142966.3(GREB1L):c.2401C>T (p.His801Tyr)

Gene: GREB1L (GREB1 like retinoic acid receptor coactivator; plus strand). Cytogenetic location: 18q11.1.
Variant type: single nucleotide variant.
Coding change: c.2401C>T on transcript NM_001142966.3 (MANE Select); coding-DNA position 2401, C replaced by T.
Protein change: p.His801Tyr; replaces histidine 801 with tyrosine.
Molecular consequence: missense variant.
Genome position (GRCh38, 1-based): chr18:21,477,201, C>T. VCF-style: chr18-21477201-C-T. GRCh37 (hg19) VCF-style: chr18-19057162-C-T.
Other names: short protein forms H801Y.
Identifiers: ClinVar variation 1049747 (VCV001049747.1), dbSNP rs1176999137, ClinGen allele CA401741173.